The following is an entry in ClinVar:

NM_004360.5(CDH1):c.765G>T (p.Gln255His)

Gene: CDH1 (cadherin 1; plus strand). Cytogenetic location: 16q22.1.
Variant type: single nucleotide variant.
Coding change: c.765G>T on transcript NM_004360.5 (MANE Select); coding-DNA position 765, G replaced by T.
Protein change: p.Gln255His; replaces glutamine 255 with histidine.
Molecular consequence: missense variant. On other transcripts: 5 prime UTR variant (2).
Genome position (GRCh38, 1-based): chr16:68,810,274, G>T. VCF-style: chr16-68810274-G-T. GRCh37 (hg19) VCF-style: chr16-68844177-G-T.
Other names: c.765G>T (LRG_301t1); c.765G>T, p.Gln255His (NM_001317184.2); c.-851G>T (NM_001317185.2); c.-1055G>T (NM_001317186.2); short protein forms Q255H.
Identifiers: ClinVar variation 661480 (VCV000661480.9), dbSNP rs1597892443, ClinGen allele CA396458635.

ClinVar aggregate classification (germline): Uncertain significance (1 of 4 stars; one submission).

Conditions:
Hereditary diffuse gastric adenocarcinoma (HDGC). Also called: DIFFUSE GASTRIC AND LOBULAR BREAST CANCER SYNDROME. Identifiers: Orphanet 26106, MedGen C1708349, MONDO:0007648, OMIM 137215.

Submission:

Labcorp Genetics (formerly Invitae), Labcorp
Classification: Uncertain significance for Hereditary diffuse gastric adenocarcinoma. Last evaluated: 2018-09-26. Review status: criteria provided, single submitter. Criteria: Invitae Variant Classification Sherloc (09022015). Collection method: clinical testing. Allele origin: germline.
Comment: This sequence change replaces glutamine with histidine at codon 255 of the CDH1 protein (p.Gln255His). The glutamine residue is highly conserved and there is a small physicochemical difference between glutamine and histidine. This variant is not present in population databases (ExAC no frequency). This variant has not been reported in the literature in individuals with CDH1-related disease. Algorithms developed to predict the effect of missense changes on protein structure and function are either unavailable or do not agree on the potential impact of this missense change (SIFT: "Deleterious"; PolyPhen-2: "Probably Damaging"; Align-GVGD: "Class C15"). In summary, the available evidence is currently insufficient to determine the role of this variant in disease. Therefore, it has been classified as a Variant of Uncertain Significance.